The following is an entry in ClinVar:

ClinVar aggregate classification (germline): Uncertain significance (1 of 4 stars; one submission).

Conditions:
Congenital myasthenic syndrome 8. Also called: Myasthenic syndrome, congenital, 8, with pre- and postsynaptic defects; MYASTHENIC SYNDROME, CONGENITAL, DUE TO AGRIN DEFICIENCY. Identifiers: Orphanet 590, MedGen C3808739, MONDO:0014052, OMIM 615120.

Allele frequency attached by ClinVar (database versions not stated): gnomAD 0.00002; ExAC 0.00003; TOPMed 0.00003.
gnomAD v4.1: 23 of 1,596,488 alleles (0.0014%); highest among the groups gnomAD compares: Non-Finnish European, 0.002%; no homozygotes.

Submission:

Labcorp Genetics (formerly Invitae), Labcorp
Classification: Uncertain significance for Congenital myasthenic syndrome 8. Last evaluated: 2022-03-26. Review status: criteria provided, single submitter. Criteria: Invitae Variant Classification Sherloc (09022015). Collection method: clinical testing. Allele origin: germline.
Comment: Algorithms developed to predict the effect of missense changes on protein structure and function (SIFT, PolyPhen-2, Align-GVGD) all suggest that this variant is likely to be tolerated. This variant has not been reported in the literature in individuals affected with AGRN-related conditions. This variant is present in population databases (rs748275891, gnomAD 0.001%). This sequence change replaces glutamic acid, which is acidic and polar, with lysine, which is basic and polar, at codon 1450 of the AGRN protein (p.Glu1450Lys). Algorithms developed to predict the effect of sequence changes on RNA splicing suggest that this variant may create or strengthen a splice site. In summary, the available evidence is currently insufficient to determine the role of this variant in disease. Therefore, it has been classified as a Variant of Uncertain Significance.

NM_198576.4(AGRN):c.4348G>A (p.Glu1450Lys)

Gene: AGRN (agrin; plus strand). Cytogenetic location: 1p36.33.
Variant type: single nucleotide variant.
Coding change: c.4348G>A on transcript NM_198576.4 (MANE Select); coding-DNA position 4348, G replaced by A.
Protein change: p.Glu1450Lys; replaces glutamic acid 1450 with lysine.
Molecular consequence: missense variant.
Genome position (GRCh38, 1-based): chr1:1,049,285, G>A. VCF-style: chr1-1049285-G-A. GRCh37 (hg19) VCF-style: chr1-984665-G-A.
Other names: c.4348G>A, p.Glu1450Lys (NM_001305275.2); c.4033G>A, p.Glu1345Lys (NM_001364727.2); short protein forms E1345K, E1450K.
Identifiers: ClinVar variation 2052018 (VCV002052018.2), dbSNP rs748275891, ClinGen allele CA509434.